The following is an entry in ClinVar:

ClinVar aggregate classification (germline): Uncertain significance (1 of 4 stars; one submission).

Conditions:
PEX16-related disorder. Also called: PEX16-related condition.

gnomAD v4.1: 23 of 1,612,034 alleles (0.0014%); highest among the groups gnomAD compares: East Asian, 0.051%; no homozygotes.

Submission:

PreventionGenetics, part of Exact Sciences
Classification: Uncertain significance for PEX16-related condition. Last evaluated: 2026-08-31. Review status: criteria provided, single submitter. Criteria: ACMG Guidelines, 2015. Collection method: clinical testing. Allele origin: germline.
Comment: The PEX16 c.965C>A variant is predicted to result in the amino acid substitution p.Ala322Glu. In an alternate transcript (NM_004813.2), this variant is found within a post-coding region (c.*89C>A). To our knowledge, this variant has not been reported in the literature. This variant is reported in 0.090% of alleles in individuals of East Asian descent in gnomAD. At this time, the clinical significance of this variant is uncertain due to the absence of conclusive functional and genetic evidence.

NM_004813.4(PEX16):c.*89C>A

Gene: PEX16 (peroxisomal biogenesis factor 16; minus strand). Cytogenetic location: 11p11.2.
Variant type: single nucleotide variant.
Coding change: c.*89C>A on transcript NM_004813.4 (MANE Select); 89 bases downstream of the stop codon, C replaced by A.
Molecular consequence: 3 prime UTR variant. On other transcripts: missense variant (1).
Genome position (GRCh38, 1-based): chr11:45,910,165, G>T on the plus strand (C>A on the coding strand, the complement: PEX16 is on the minus strand). VCF-style: chr11-45910165-G-T. GRCh37 (hg19) VCF-style: chr11-45931716-G-T.
Other names: c.965C>A, p.Ala322Glu (NM_057174.3); short protein forms A322E.
Identifiers: ClinVar variation 4978721 (VCV004978721.1).
Genomic context (GRCh38, chr11:45,910,165, plus strand): 5'-AGGAACGCTGGTGGCGACCAGGGCTGTGTGTGGGGCCTGGCCGGTAGGCACGGAGAGGCC[G>T]CACGCTGGGACGCTGCCGGAGTCAGTTTTATTAGGGAAGAGGGGCTCCCTGCCCCACCCC-3'